The following is an entry in ClinVar:

NM_000256.3(MYBPC3):c.3414C>T (p.Arg1138=)

Gene: MYBPC3 (myosin binding protein C3; minus strand). Cytogenetic location: 11p11.2.
Variant type: single nucleotide variant.
Coding change: c.3414C>T on transcript NM_000256.3 (MANE Select); coding-DNA position 3414, C replaced by T.
Protein change: p.Arg1138=; no amino-acid change (arginine 1138 retained).
Molecular consequence: synonymous variant.
Genome position (GRCh38, 1-based): chr11:47,332,890, G>A on the plus strand (C>T on the coding strand, the complement: MYBPC3 is on the minus strand). VCF-style: chr11-47332890-G-A. GRCh37 (hg19) VCF-style: chr11-47354441-G-A.
Identifiers: ClinVar variation 188582 (VCV000188582.38), dbSNP rs753671465, ClinGen allele CA014139.

ClinVar aggregate classification (germline): Likely benign. Review status: criteria provided, multiple submitters, no conflicts (2 of 4 stars). 6 submissions from 6 submitters: Likely benign (5). 1 of the submissions does not count toward it. Last evaluated 2025-09-30.

Conditions:
Cardiovascular phenotype. Identifiers: MedGen CN230736.
Cardiomyopathy (CMYO). Also called: Cardiomyopathies. Identifiers: Orphanet 167848, MedGen C0878544, MONDO:0004994, HP:0001638. Inheritance: Various modes of inheritance.
Hypertrophic cardiomyopathy. Also called: HYPERTROPHIC MYOCARDIOPATHY. Identifiers: Orphanet 217569, MedGen C0007194, MeSH D002312, MONDO:0005045, HP:0001639.

Allele frequency attached by ClinVar (database versions not stated): gnomAD 0.00002; TOPMed 0.00002; gnomAD exomes 0.00003; ExAC 0.00006.
gnomAD v4.1: 12 of 1,608,116 alleles (0.00075%); highest among the groups gnomAD compares: Admixed American, 0.0034%; no homozygotes.

Submissions (6):

Labcorp Genetics (formerly Invitae), Labcorp
Classification: Likely benign for Hypertrophic cardiomyopathy. Last evaluated: 2025-09-30. Review status: criteria provided, single submitter. Criteria: Invitae Variant Classification Sherloc (09022015). Collection method: clinical testing. Allele origin: germline.

Ambry Genetics
Classification: Likely benign for Cardiovascular phenotype. Last evaluated: 2025-02-23. Review status: criteria provided, single submitter. Criteria: Ambry Variant Classification Scheme 2023. Collection method: clinical testing. Allele origin: germline.

CeGaT Center for Human Genetics Tuebingen
Classification: Likely benign. Last evaluated: 2023-08-01. Review status: criteria provided, single submitter. Criteria: CeGaT Center For Human Genetics Tuebingen Variant Classification Criteria Version 2. Collection method: clinical testing. Allele origin: germline. Affected: yes. Observed: 1 variant allele.
Comment: MYBPC3: BP4, BP7

All of Us Research Program, National Institutes of Health
Classification: Likely benign for Hypertrophic cardiomyopathy. Last evaluated: 2023-05-16. Review status: criteria provided, single submitter. Criteria: ACMG Guidelines, 2015. Collection method: clinical testing. Allele origin: germline. Inheritance: Autosomal dominant inheritance. Observed: 2 variant alleles, 2 heterozygotes.
Comment: This study involves interpretation of variants in research participants for the purpose of population health screening. Participant phenotype was not available at the time of variant classification. Additional details can be found in publication PMID: 35346344, PMCID: PMC8962531

Color Diagnostics, LLC DBA Color Health
Classification: Likely benign for Cardiomyopathy. Last evaluated: 2019-11-24. Review status: criteria provided, single submitter. Criteria: ACMG Guidelines, 2015. Collection method: clinical testing. Allele origin: germline.

Cohesion Phenomics
Classification: Likely benign for Hypertrophic Cardiomyopathy. Last evaluated: 2022-09-27. Review status: no assertion criteria provided. Criteria: ACMG Guidelines, 2015. Collection method: clinical testing. Allele origin: germline. Affected: yes. Not counted in ClinVar's aggregate classification.